The following is an entry in ClinVar:

ClinVar aggregate classification (germline): Pathogenic (1 of 4 stars; one submission).

Conditions:
Neurofibromatosis, type 1 (NF1). Also called: Neurofibromatosis, type I; Peripheral type neurofibromatosis; NEUROFIBROMATOSIS, TYPE I, SOMATIC; VON RECKLINGHAUSEN DISEASE. Identifiers: Orphanet 636, MedGen C0027831, MONDO:0018975, OMIM 162200. Disease mechanism: loss of function.

Allele frequency attached by ClinVar (database versions not stated): gnomAD exomes below 0.00001.
gnomAD v4.1: 1 of 1,613,396 alleles (0.000062%); highest among the groups gnomAD compares: Non-Finnish European, 0.000085%; no homozygotes.

Submission:

Labcorp Genetics (formerly Invitae), Labcorp
Classification: Pathogenic for Neurofibromatosis, type 1. Last evaluated: 2022-06-08. Review status: criteria provided, single submitter. Criteria: Invitae Variant Classification Sherloc (09022015). Collection method: clinical testing. Allele origin: germline.
Comment: For these reasons, this variant has been classified as Pathogenic. This variant has not been reported in the literature in individuals affected with NF1-related conditions. This variant is not present in population databases (gnomAD no frequency). This sequence change creates a premature translational stop signal (p.Glu1713*) in the NF1 gene. It is expected to result in an absent or disrupted protein product. Loss-of-function variants in NF1 are known to be pathogenic (PMID: 10712197, 23913538).

Literature cited by the submitters: PubMed 10712197; PubMed 23913538.

NM_001042492.3(NF1):c.5200G>T (p.Glu1734Ter)

Gene: NF1 (neurofibromin 1; plus strand). Cytogenetic location: 17q11.2.
Variant type: single nucleotide variant.
Coding change: c.5200G>T on transcript NM_001042492.3 (MANE Select); coding-DNA position 5200, G replaced by T.
Protein change: p.Glu1734Ter; replaces glutamic acid 1734 with a stop codon.
Molecular consequence: nonsense.
Genome position (GRCh38, 1-based): chr17:31,326,184, G>T. VCF-style: chr17-31326184-G-T. GRCh37 (hg19) VCF-style: chr17-29653202-G-T.
Other names: c.5137G>T, p.Glu1713Ter (NM_000267.4); short protein forms E1734*, E1713*.
Identifiers: ClinVar variation 2003268 (VCV002003268.4), dbSNP rs2151538882, ClinGen allele CA399008061.